The following is an entry in ClinVar:

NM_017433.5(MYO3A):c.202A>C (p.Ile68Leu)

Gene: MYO3A (myosin IIIA; plus strand). Cytogenetic location: 10p12.1.
Variant type: single nucleotide variant.
Coding change: c.202A>C on transcript NM_017433.5 (MANE Select); coding-DNA position 202, A replaced by C.
Protein change: p.Ile68Leu; replaces isoleucine 68 with leucine.
Molecular consequence: missense variant.
Genome position (GRCh38, 1-based): chr10:25,954,907, A>C. VCF-style: chr10-25954907-A-C. GRCh37 (hg19) VCF-style: chr10-26243836-A-C.
Other names: c.202A>C, p.Ile68Leu (NM_001368265.1); short protein forms I68L.
Identifiers: ClinVar variation 1201223 (VCV001201223.11), dbSNP rs569392916, ClinGen allele CA5444228.

ClinVar aggregate classification (germline): Conflicting classifications of pathogenicity. Review status: criteria provided, conflicting classifications (1 of 4 stars). 4 submissions from 4 submitters: Uncertain significance (3); Likely benign (1). Last evaluated 2025-11-04.

Conditions:
MYO3A-related disorder. Also called: MYO3A-related condition.

Allele frequency attached by ClinVar (database versions not stated): gnomAD 0.00009; 1000 Genomes Project 30x 0.00016; TOPMed 0.00018; 1000 Genomes Project 0.00020.
gnomAD v4.1: 85 of 1,612,490 alleles (0.0053%); highest among the groups gnomAD compares: Admixed American, 0.13%; no homozygotes.

Submissions (4):

Labcorp Genetics (formerly Invitae), Labcorp
Classification: Uncertain significance. Last evaluated: 2025-11-04. Review status: criteria provided, single submitter. Criteria: Invitae Variant Classification Sherloc (09022015). Collection method: clinical testing. Allele origin: germline.
Comment: This sequence change replaces isoleucine, which is neutral and non-polar, with leucine, which is neutral and non-polar, at codon 68 of the MYO3A protein (p.Ile68Leu). This variant is present in population databases (rs569392916, gnomAD 0.2%). This variant has not been reported in the literature in individuals affected with MYO3A-related conditions. ClinVar contains an entry for this variant (Variation ID: 1201223). An algorithm developed to predict the effect of missense changes on protein structure and function (PolyPhen-2) suggests that this variant is likely to be disruptive. In summary, the available evidence is currently insufficient to determine the role of this variant in disease. Therefore, it has been classified as a Variant of Uncertain Significance.

PreventionGenetics, part of Exact Sciences
Classification: Likely benign for MYO3A-related condition. Last evaluated: 2025-06-23. Review status: criteria provided, single submitter. Criteria: ACMG Guidelines, 2015. Collection method: clinical testing. Allele origin: germline.
Comment: This variant is classified as likely benign based on ACMG/AMP sequence variant interpretation guidelines (Richards et al. 2015 PMID: 25741868, with internal and published modifications).

GeneDx
Classification: Uncertain significance. Last evaluated: 2021-08-13. Review status: criteria provided, single submitter. Criteria: GeneDx Variant Classification Process June 2021. Collection method: clinical testing. Allele origin: germline. Affected: yes.
Comment: In silico analysis, which includes protein predictors and evolutionary conservation, supports that this variant does not alter protein structure/function; Splice predictors are inconclusive as to whether the variant alters gene splicing; in the absence of RNA/functional studies the actual effect of this sequence change is unknown; Has not been previously published as pathogenic or benign to our knowledge

Blueprint Genetics
Classification: Uncertain significance. Last evaluated: 2019-02-15. Review status: criteria provided, single submitter. Criteria: ACMG Guidelines, 2015. Collection method: clinical testing. Allele origin: germline.